The following is an entry in ClinVar:

ClinVar aggregate classification (germline): Likely benign (1 of 4 stars; one submission).

Conditions:
PLXNA2-related disorder. Also called: PLXNA2-related condition.

gnomAD v4.1: 1 of 1,614,192 alleles (0.000062%); highest among the groups gnomAD compares: Admixed American, 0.0017%; no homozygotes.

Submission:

PreventionGenetics, part of Exact Sciences
Classification: Likely benign for PLXNA2-related condition. Last evaluated: 2024-10-25. Review status: criteria provided, single submitter. Criteria: ACMG Guidelines, 2015. Collection method: clinical testing. Allele origin: germline.
Comment: This variant is classified as likely benign based on ACMG/AMP sequence variant interpretation guidelines (Richards et al. 2015 PMID: 25741868, with internal and published modifications).

NM_025179.4(PLXNA2):c.5394G>T (p.Leu1798=)

Gene: PLXNA2 (plexin A2; minus strand). Cytogenetic location: 1q32.2.
Variant type: single nucleotide variant.
Coding change: c.5394G>T on transcript NM_025179.4 (MANE Select); coding-DNA position 5394, G replaced by T.
Protein change: p.Leu1798=; no amino-acid change (leucine 1798 retained).
Molecular consequence: synonymous variant.
Genome position (GRCh38, 1-based): chr1:208,028,874, C>A on the plus strand (G>T on the coding strand, the complement: PLXNA2 is on the minus strand). VCF-style: chr1-208028874-C-A. GRCh37 (hg19) VCF-style: chr1-208202219-C-A.
Identifiers: ClinVar variation 4979730 (VCV004979730.1).